The following is an entry in ClinVar:

NM_001040142.2(SCN2A):c.5408A>G (p.Glu1803Gly)

Gene: SCN2A (sodium voltage-gated channel alpha subunit 2; plus strand). Cytogenetic location: 2q24.3.
Variant type: single nucleotide variant.
Coding change: c.5408A>G on transcript NM_001040142.2 (MANE Select); coding-DNA position 5408, A replaced by G.
Protein change: p.Glu1803Gly; replaces glutamic acid 1803 with glycine.
Molecular consequence: missense variant.
Genome position (GRCh38, 1-based): chr2:165,389,214, A>G. VCF-style: chr2-165389214-A-G. GRCh37 (hg19) VCF-style: chr2-166245724-A-G.
Other names: c.5408A>G, p.Glu1803Gly (NM_001040143.2, NM_001371246.1, NM_001371247.1 and 1 more transcripts); short protein forms E1803G.
Identifiers: ClinVar variation 1727245 (VCV001727245.3), dbSNP rs2468159089, ClinGen allele CA349038916.

ClinVar aggregate classification (germline): Likely pathogenic (1 of 4 stars; one submission).

Conditions:
Developmental and epileptic encephalopathy, 11 (DEE11). Also called: Early infantile epileptic encephalopathy 11. Identifiers: Orphanet 1934, MedGen C3150987, MONDO:0013388, OMIM 613721.

Submissions (2):

3billion
Classification: Likely pathogenic for Developmental and epileptic encephalopathy, 11. Last evaluated: 2023-02-23. Review status: criteria provided, single submitter. Criteria: ACMG Guidelines, 2015. Collection method: clinical testing. Allele origin: unknown. Affected: yes.
Comment: The variant is not observed in the gnomAD v2.1.1 dataset. The variant is located in a mutational hot spot and/or well-established functional domain in which established pathogenic variants have been reported. In silico tool predictions suggest damaging effect of the variant on gene or gene product (REVEL: 0.92; 3Cnet: 0.92). Same nucleotide change resulting in same amino acid change has been previously reported to be associated with SCN2A-related disorder (PMID: 30552426). Therefore, this variant is classified as Likely pathogenic according to the recommendation of ACMG/AMP guideline.

Channelopathy-Associated Epilepsy Research Center
No classification provided (evidence only). Condition: Complex neurodevelopmental disorder. Review status: no classification provided. Collection method: literature only. Allele origin: not applicable. Functional consequence: Normal slope of fast inactivation, Normal voltage dependence of fast inactivation, Normal slope of activation, Normal voltage dependence of activation, Normal rate of recovery from fast inactivation, Increase in slope of fast inactivation, Overall gain-of-function. Not counted in ClinVar's aggregate classification.
ClinVar note: "not provided" was previously submitted as the classification for the variant. However, the classification appeared to be based only on an observation of functional data so it was converted to no classification on 2025-07-30.

Literature cited by the submitters: PubMed 30552426 (cited by 3billion); PubMed 30813884 (cited by Channelopathy-Associated Epilepsy Research Center).